The following is an entry in ClinVar:

ClinVar aggregate classification (germline): Uncertain significance (1 of 4 stars; one submission).

Allele frequency attached by ClinVar (database versions not stated): gnomAD exomes below 0.00001.
gnomAD v4.1: 1 of 1,614,138 alleles (0.000062%); highest among the groups gnomAD compares: Admixed American, 0.0017%; no homozygotes.

Submission:

Ambry Genetics
Classification: Uncertain significance. Last evaluated: 2024-09-09. Review status: criteria provided, single submitter. Criteria: Ambry Variant Classification Scheme 2023. Collection method: clinical testing. Allele origin: germline.
Comment: The p.A350T variant (also known as c.1048G>A), located in coding exon 10 of the RAD54L gene, results from a G to A substitution at nucleotide position 1048. The alanine at codon 350 is replaced by threonine, an amino acid with similar properties. This amino acid position is conserved. In addition, this alteration is predicted to be deleterious by in silico analysis. Since supporting evidence is limited at this time, the clinical significance of this alteration remains unclear.

NM_003579.4(RAD54L):c.1048G>A (p.Ala350Thr)

Gene: RAD54L (RAD54 like; plus strand). Cytogenetic location: 1p34.1.
Variant type: single nucleotide variant.
Coding change: c.1048G>A on transcript NM_003579.4 (MANE Select); coding-DNA position 1048, G replaced by A.
Protein change: p.Ala350Thr; replaces alanine 350 with threonine.
Molecular consequence: missense variant.
Genome position (GRCh38, 1-based): chr1:46,270,664, G>A. VCF-style: chr1-46270664-G-A. GRCh37 (hg19) VCF-style: chr1-46736336-G-A.
Other names: c.1048G>A, p.Ala350Thr (NM_001142548.2); c.508G>A, p.Ala170Thr (NM_001370766.1); short protein forms A170T, A350T.
Identifiers: ClinVar variation 1776119 (VCV001776119.3), dbSNP rs1660396557, ClinGen allele CA340174217.